The following is an entry in ClinVar:

ClinVar aggregate classification (germline): Uncertain significance (1 of 4 stars; one submission).

Submission:

Dasa
Classification: Uncertain significance. Last evaluated: 2024-12-30. Review status: criteria provided, single submitter. Criteria: DASA Assertion Criteria. Collection method: clinical testing. Allele origin: germline.
Comment: NM_024741.3(ZNF408):c.152T>G (p.Ile51Ser) is a missense variant that results in the substitution of isoleucine with serine. This variant is absent from population databases. Computational prediction algorithms are consistent with a benign effect. The currently available literature and clinical evidence are not sufficient to establish a definitive association between this variant and the reported condition. Therefore, this variant is classified as a variant of uncertain significance.

NM_024741.3(ZNF408):c.152T>G (p.Ile51Ser)

Gene: ZNF408 (zinc finger protein 408; plus strand). Cytogenetic location: 11p11.2.
Variant type: single nucleotide variant.
Coding change: c.152T>G on transcript NM_024741.3 (MANE Select); coding-DNA position 152, T replaced by G.
Protein change: p.Ile51Ser; replaces isoleucine 51 with serine.
Molecular consequence: missense variant.
Genome position (GRCh38, 1-based): chr11:46,701,498, T>G. VCF-style: chr11-46701498-T-G. GRCh37 (hg19) VCF-style: chr11-46723048-T-G.
Other names: c.128T>G, p.Ile43Ser (NM_001184751.2); short protein forms I43S, I51S.
Identifiers: ClinVar variation 4882587 (VCV004882587.2).